The following is an entry in ClinVar:

ClinVar aggregate classification (germline): Likely benign. Review status: criteria provided, multiple submitters, no conflicts (2 of 4 stars). 2 submissions from 2 submitters: Likely benign (2). Last evaluated 2026-01-01.

gnomAD v4.1: 357 of 965,530 alleles (0.037%); highest among the groups gnomAD compares: South Asian, 0.17%; 1 homozygote.

Submissions (2):

CeGaT Center for Human Genetics Tuebingen
Classification: Likely benign. Last evaluated: 2026-01-01. Review status: criteria provided, single submitter. Criteria: CeGaT Center For Human Genetics Tuebingen Variant Classification Criteria Version 2. Collection method: clinical testing. Allele origin: germline. Affected: yes. Observed: 2 variant alleles.
Comment: PRR12: BP4, BP7

Blueprint Genetics
Classification: Likely benign. Last evaluated: 2024-10-08. Review status: criteria provided, single submitter. Criteria: ACMG Guidelines, 2015. Collection method: clinical testing. Allele origin: germline.

NM_020719.3(PRR12):c.912G>A (p.Pro304=)

Gene: PRR12 (proline rich 12; plus strand). Cytogenetic location: 19q13.33.
Variant type: single nucleotide variant.
Coding change: c.912G>A on transcript NM_020719.3 (MANE Select); coding-DNA position 912, G replaced by A.
Protein change: p.Pro304=; no amino-acid change (proline 304 retained).
Molecular consequence: synonymous variant.
Genome position (GRCh38, 1-based): chr19:49,595,247, G>A. VCF-style: chr19-49595247-G-A. GRCh37 (hg19) VCF-style: chr19-50098504-G-A.
Identifiers: ClinVar variation 4821658 (VCV004821658.5).